The following is an entry in ClinVar:

NM_001165963.4(SCN1A):c.4002+2490del

Genes: SCN1A (sodium voltage-gated channel alpha subunit 1; minus strand), LOC102724058 (uncharacterized LOC102724058; plus strand). Cytogenetic location: 2q24.3.
Variant type: Deletion.
Coding change: c.4002+2490del on transcript NM_001165963.4 (MANE Select); 2490 bases into the intron after coding-DNA position 4002, one base deleted (G; older notation c.4002+2490delG).
Molecular consequence: intron variant.
Genome position (GRCh38, 1-based): chr2:166,007,229, C deleted on the plus strand (G on the coding strand, the reverse complement: SCN1A is on the minus strand); the first of 3 consecutive C bases (chr2:166,007,229-166,007,231); deleting any one gives the same sequence. VCF-style (leftmost placement, unchanged base first): chr2-166007228-AC-A. GRCh37 (hg19) VCF-style: chr2-166863738-AC-A.
Other names: c.3969+2490del (NM_001353949.2, NM_001353950.2, NM_001353951.2 and 2 more transcripts); c.3918+2490del (NM_001353958.2, NM_001353957.2, NM_001165964.3); c.4002+2490del (NM_001202435.3, NM_001353948.2); c.3966+2490del (NM_001353955.2, NM_001353954.2); c.3915+2490del (NM_001353960.2); c.1560+2490del (NM_001353961.2).
Identifiers: ClinVar variation 4293312 (VCV004293312.1).

ClinVar aggregate classification (germline): Uncertain significance (1 of 4 stars; one submission).

Conditions:
Generalized epilepsy with febrile seizures plus, type 2 (GEFSP2). Also called: GEFS+, TYPE 2. Identifiers: Orphanet 36387, MedGen C1858673, MONDO:0011461, OMIM 604403.

Submission:

3billion
Classification: Uncertain significance for Generalized epilepsy with febrile seizures plus, type 2. Last evaluated: 2024-11-11. Review status: criteria provided, single submitter. Criteria: ACMG Guidelines, 2015. Collection method: clinical testing. Allele origin: germline. Affected: yes.
Comment: The variant is not observed in the gnomAD v4.1.0 dataset. Predicted Consequence/Location: Intron variant In silico tools predict the variant to alter splicing and produce an abnormal transcript [SpliceAI: 0.84 (>=0.2, moderate evidence for spliceogenicity)]. Therefore, this variant is classified as VUS according to the recommendation of ACMG/AMP guideline.